The following is an entry in ClinVar:

ClinVar aggregate classification (germline): Uncertain significance (1 of 4 stars; one submission).

Allele frequency attached by ClinVar (database versions not stated): TOPMed below 0.00001; gnomAD 0.00001; gnomAD exomes 0.00001.

Submission:

Labcorp Genetics (formerly Invitae), Labcorp
Classification: Uncertain significance. Last evaluated: 2022-02-23. Review status: criteria provided, single submitter. Criteria: Invitae Variant Classification Sherloc (09022015). Collection method: clinical testing. Allele origin: germline.
Comment: This variant is not present in population databases (gnomAD no frequency). In summary, the available evidence is currently insufficient to determine the role of this variant in disease. Therefore, it has been classified as a Variant of Uncertain Significance. This sequence change replaces proline, which is neutral and non-polar, with alanine, which is neutral and non-polar, at codon 696 of the ZNF408 protein (p.Pro696Ala). Algorithms developed to predict the effect of missense changes on protein structure and function output the following: SIFT: "Tolerated"; PolyPhen-2: "Benign"; Align-GVGD: "Class C0". The alanine amino acid residue is found in multiple mammalian species, which suggests that this missense change does not adversely affect protein function. This variant has not been reported in the literature in individuals affected with ZNF408-related conditions. ClinVar contains an entry for this variant (Variation ID: 1054630).

NM_024741.3(ZNF408):c.2086C>G (p.Pro696Ala)

Gene: ZNF408 (zinc finger protein 408; plus strand). Cytogenetic location: 11p11.2.
Variant type: single nucleotide variant.
Coding change: c.2086C>G on transcript NM_024741.3 (MANE Select); coding-DNA position 2086, C replaced by G.
Protein change: p.Pro696Ala; replaces proline 696 with alanine.
Molecular consequence: missense variant.
Genome position (GRCh38, 1-based): chr11:46,705,786, C>G. VCF-style: chr11-46705786-C-G. GRCh37 (hg19) VCF-style: chr11-46727336-C-G.
Other names: c.2062C>G, p.Pro688Ala (NM_001184751.2); short protein forms P688A, P696A.
Identifiers: ClinVar variation 1054630 (VCV001054630.10), dbSNP rs2064748311, ClinGen allele CA380258159.